The following is an entry in ClinVar:

NM_148919.4(PSMB8):c.*24G>T

Gene: PSMB8 (proteasome 20S subunit beta 8; minus strand). Cytogenetic location: 6p21.32.
Variant type: single nucleotide variant.
Coding change: c.*24G>T on transcript NM_148919.4 (MANE Select); 24 bases downstream of the stop codon, G replaced by T.
Molecular consequence: 3 prime UTR variant.
Genome position (GRCh38, 1-based): chr6:32,840,935, C>A on the plus strand (G>T on the coding strand, the complement: PSMB8 is on the minus strand). VCF-style: chr6-32840935-C-A. GRCh37 (hg19) VCF-style: chr6-32808712-C-A.
Other names: c.*24G>T (LRG_1328t1, LRG_1328t2, NM_004159.5).
Identifiers: ClinVar variation 356358 (VCV000356358.5), dbSNP rs115441230, ClinGen allele CA3746261.

ClinVar aggregate classification (germline): Benign (1 of 4 stars; one submission).

Conditions:
Proteasome-associated autoinflammatory syndrome 1 (PRAAS1). Also called: JOINT CONTRACTURES, MUSCULAR ATROPHY, MICROCYTIC ANEMIA, AND PANNICULITIS-INDUCED LIPODYSTROPHY; JMP SYNDROME; AUTOINFLAMMATION, LIPODYSTROPHY, AND DERMATOSIS SYNDROME; NAKAJO-NISHIMURA SYNDROME; CHRONIC ATYPICAL NEUTROPHILIC DERMATOSIS WITH LIPODYSTROPHY AND ELEVATED TEMPERATURE SYNDROME; Nakajo syndrome. Identifiers: Orphanet 2615, Orphanet 324977, Orphanet 324999, Orphanet 325004, MedGen C4746851, MONDO:0054698, OMIM 256040.

Allele frequency attached by ClinVar (database versions not stated): TOPMed 0.00680; gnomAD 0.00683 and 0.00724; ESP Exome Variant Server 0.00715; 1000 Genomes Project 0.00819; 1000 Genomes Project 30x 0.00890.

Submission:

Illumina Laboratory Services, Illumina
Classification: Benign for Proteasome-associated autoinflammatory syndrome 1. Last evaluated: 2018-01-13. Review status: criteria provided, single submitter. Criteria: ICSL Variant Classification Criteria 13 December 2019. Collection method: clinical testing. Allele origin: germline.
Comment: This variant was observed in the ICSL laboratory as part of a predisposition screen in an ostensibly healthy population. It had not been previously curated by ICSL or reported in the Human Gene Mutation Database (HGMD: prior to June 1st, 2018), and was therefore a candidate for classification through an automated scoring system. Utilizing variant allele frequency, disease prevalence and penetrance estimates, and inheritance mode, an automated score was calculated to assess if this variant is too frequent to cause the disease. Based on the score and internal cut-off values, a variant classified as benign is not then subjected to further curation. The score for this variant resulted in a classification of benign for this disease.